The following is an entry in ClinVar:

ClinVar aggregate classification (germline): Likely benign. Review status: criteria provided, multiple submitters, no conflicts (2 of 4 stars). 2 submissions from 2 submitters: Likely benign (2). Last evaluated 2025-05-17.

Conditions:
Cornelia de Lange syndrome 1 (CDLS1). Also called: TYPUS DEGENERATIVUS AMSTELODAMENSIS; Brachmann de Lange syndrome; NIPBL-Related Cornelia de Lange Syndrome. Identifiers: Orphanet 199, MedGen C4551851, MONDO:0007387, OMIM 122470.

gnomAD v4.1: 4 of 1,610,444 alleles (0.00025%); highest among the groups gnomAD compares: Non-Finnish European, 0.00017%; no homozygotes.

Submissions (2):

Labcorp Genetics (formerly Invitae), Labcorp
Classification: Likely benign for Cornelia de Lange syndrome 1. Last evaluated: 2025-05-17. Review status: criteria provided, single submitter. Criteria: Invitae Variant Classification Sherloc (09022015). Collection method: clinical testing. Allele origin: germline.

CeGaT Center for Human Genetics Tuebingen
Classification: Likely benign. Last evaluated: 2023-03-01. Review status: criteria provided, single submitter. Criteria: CeGaT Center For Human Genetics Tuebingen Variant Classification Criteria Version 2. Collection method: clinical testing. Allele origin: germline. Affected: yes. Observed: 1 variant allele.
Comment: NIPBL: PM2:Supporting, BP4, BP7

NM_133433.4(NIPBL):c.4602T>C (p.Ala1534=)

Gene: NIPBL (NIPBL cohesin loading factor; plus strand). Cytogenetic location: 5p13.2.
Variant type: single nucleotide variant.
Coding change: c.4602T>C on transcript NM_133433.4 (MANE Select); coding-DNA position 4602, T replaced by C.
Protein change: p.Ala1534=; no amino-acid change (alanine 1534 retained).
Molecular consequence: synonymous variant.
Genome position (GRCh38, 1-based): chr5:37,014,724, T>C. VCF-style: chr5-37014724-T-C. GRCh37 (hg19) VCF-style: chr5-37014826-T-C.
Other names: c.4602T>C, p.Ala1534= (NM_015384.5).
Identifiers: ClinVar variation 2655426 (VCV002655426.26), dbSNP rs968768950, ClinGen allele CA117025143.